The following is an entry in ClinVar:

ClinVar aggregate classification (germline): Uncertain significance (1 of 4 stars; one submission).

Submission:

Labcorp Genetics (formerly Invitae), Labcorp
Classification: Uncertain significance. Last evaluated: 2025-07-07. Review status: criteria provided, single submitter. Criteria: Invitae Variant Classification Sherloc (09022015). Collection method: clinical testing. Allele origin: germline.
Comment: This sequence change creates a premature translational stop signal (p.Gln29*) in the KCNJ6 gene. It is expected to result in an absent or disrupted protein product. However, the current clinical and genetic evidence is not sufficient to establish whether loss-of-function variants in KCNJ6 cause disease. This variant is not present in population databases (gnomAD no frequency). This variant has not been reported in the literature in individuals affected with KCNJ6-related conditions. ClinVar contains an entry for this variant (Variation ID: 3663647). In summary, the available evidence is currently insufficient to determine the role of this variant in disease. Therefore, it has been classified as a Variant of Uncertain Significance.

NM_002240.5(KCNJ6):c.85C>T (p.Gln29Ter)

Genes: KCNJ6 (potassium inwardly rectifying channel subfamily J member 6; minus strand), KCNJ6-AS1 (KCNJ6 antisense RNA 1; plus strand). Cytogenetic location: 21q22.13.
Variant type: single nucleotide variant.
Coding change: c.85C>T on transcript NM_002240.5 (MANE Select); coding-DNA position 85, C replaced by T.
Protein change: p.Gln29Ter; replaces glutamine 29 with a stop codon.
Molecular consequence: nonsense. On other transcripts: non-coding transcript variant (1).
Genome position (GRCh38, 1-based): chr21:37,715,072, G>A on the plus strand (C>T on the coding strand, the complement: KCNJ6 is on the minus strand). VCF-style: chr21-37715072-G-A. GRCh37 (hg19) VCF-style: chr21-39087375-G-A.
Other names: short protein forms Q29*.
Identifiers: ClinVar variation 3663647 (VCV003663647.2).